The following is an entry in ClinVar:

NM_024570.4(RNASEH2B):c.491dup (p.Leu164fs)

Gene: RNASEH2B (ribonuclease H2 subunit B; plus strand). Cytogenetic location: 13q14.3.
Variant type: Duplication.
Coding change: c.491dup on transcript NM_024570.4 (MANE Select); coding-DNA position 491, one base duplicated (T; older notation c.491dupT).
Protein change: p.Leu164fs; shifts the reading frame from leucine 164.
Molecular consequence: frameshift variant.
Genome position (GRCh38, 1-based): chr13:50,943,375, T duplicated; the last of 2 consecutive T bases (chr13:50,943,374-50,943,375); duplicating either gives the same sequence. VCF-style (leftmost placement, unchanged base first): chr13-50943373-A-AT. GRCh37 (hg19) VCF-style: chr13-51517509-A-AT.
Other names: c.491dup, p.Leu164fs (NM_001142279.2); short protein forms L164fs.
Identifiers: ClinVar variation 870598 (VCV000870598.1), dbSNP rs1951857498, ClinGen allele CA1139663316.

ClinVar aggregate classification (germline): Pathogenic (1 of 4 stars; one submission).

Conditions:
Aicardi-Goutieres syndrome 2. Identifiers: Orphanet 51, MedGen C3489724, MONDO:0012429, OMIM 610181.

Submission:

Service de Biochimie Médicale et Biologie Moléculaire, CHU Clermont-Ferrand
Classification: Pathogenic for Aicardi-Goutieres syndrome 2. Last evaluated: 2020-04-06. Review status: criteria provided, single submitter. Criteria: ACMG Guidelines, 2015. Collection method: clinical testing. Allele origin: paternal. Inheritance: Autosomal recessive inheritance. Affected: yes. Observed: 1 compound heterozygote.
Comment: In trans (segregation verified) with recurrent mutation c.529G>A in exon 7. Not reported to date in gnomAD or ExAC. Frameshift with premature stop codon.